The following is an entry in ClinVar:

ClinVar aggregate classification (germline): Benign/Likely benign. Review status: criteria provided, multiple submitters, no conflicts (2 of 4 stars). 13 submissions from 13 submitters: Benign (1); Likely benign (11). 1 of the submissions does not count toward it. Last evaluated 2026-05-01.

Conditions:
Hereditary cancer-predisposing syndrome. Also called: Tumor predisposition; Neoplastic Syndromes, Hereditary; Hereditary Cancer Syndrome; Hereditary neoplastic syndrome. Identifiers: Orphanet 140162, MedGen C0027672, MeSH D009386, MONDO:0015356.
Fanconi anemia complementation group N. Also called: PALB2-Related Fanconi Anemia. Identifiers: Orphanet 84, MedGen C1835817, MONDO:0012565, OMIM 610832. Disease mechanism: loss of function.
Familial cancer of breast. Also called: hereditary breast carcinoma; BREAST CANCER, FAMILIAL; Hereditary breast cancer. Identifiers: Orphanet 227535, MedGen C0346153, MONDO:0016419, OMIM 114480. Disease mechanism: loss of function.
Pancreatic cancer, susceptibility to, 3. Identifiers: Orphanet 1333, MedGen C3150547, MONDO:0013236, OMIM 613348.

Allele frequency attached by ClinVar (database versions not stated): gnomAD exomes 0.00003 and 0.00001; TOPMed 0.00001; ExAC 0.00002.

Submissions (13):

CeGaT Center for Human Genetics Tuebingen
Classification: Likely benign. Last evaluated: 2026-05-01. Review status: criteria provided, single submitter. Criteria: CeGaT Center For Human Genetics Tuebingen Variant Classification Criteria Version 2. Collection method: clinical testing. Allele origin: germline. Affected: yes. Observed: 1 variant allele.
Comment: PALB2: BP4, BP7

Labcorp Genetics (formerly Invitae), Labcorp
Classification: Likely benign for Familial cancer of breast. Last evaluated: 2026-01-19. Review status: criteria provided, single submitter. Criteria: Invitae Variant Classification Sherloc (09022015). Collection method: clinical testing. Allele origin: germline.

Center for Genomic Medicine, Rigshospitalet, Copenhagen University Hospital
Classification: Likely benign. Last evaluated: 2025-03-04. Review status: criteria provided, single submitter. Criteria: ACMG Guidelines, 2015. Collection method: clinical testing. Allele origin: germline.

Quest Diagnostics Nichols Institute San Juan Capistrano
Classification: Likely benign. Last evaluated: 2025-02-07. Review status: criteria provided, single submitter. Criteria: Quest Diagnostics criteria. Collection method: clinical testing. Allele origin: unknown.

ARUP Laboratories, Molecular Genetics and Genomics, ARUP Laboratories
Classification: Likely benign. Last evaluated: 2025-01-23. Review status: criteria provided, single submitter. Criteria: ARUP Molecular Germline Variant Investigation Process 2024. Collection method: clinical testing. Allele origin: germline.

Blueprint Genetics
Classification: Likely benign. Last evaluated: 2024-03-18. Review status: criteria provided, single submitter. Criteria: ACMG Guidelines, 2015. Collection method: clinical testing. Allele origin: germline.

Myriad Genetics, Inc.
Classification: Benign for Familial cancer of breast. Last evaluated: 2023-03-30. Review status: criteria provided, single submitter. Criteria: Myriad Autosomal Dominant, Autosomal Recessive and X-Linked Classification Criteria (2023). Collection method: clinical testing. Allele origin: unknown.
Comment: This variant is considered benign. This variant is a silent/synonymous amino acid change and it is not expected to impact splicing.

Fulgent Genetics
Classification: Likely benign for Familial cancer of breast; Fanconi anemia complementation group N; Pancreatic cancer, susceptibility to, 3. Last evaluated: 2022-02-18. Review status: criteria provided, single submitter. Criteria: ACMG Guidelines, 2015. Collection method: clinical testing. Allele origin: unknown.

Women's Health and Genetics/Laboratory Corporation of America, LabCorp
Classification: Likely benign. Last evaluated: 2021-06-05. Review status: criteria provided, single submitter. Criteria: LabCorp Variant Classification Summary - May 2015. Collection method: clinical testing. Allele origin: germline.

GeneDx
Classification: Likely benign. Last evaluated: 2019-11-20. Review status: criteria provided, single submitter. Criteria: GeneDx Variant Classification Process June 2021. Collection method: clinical testing. Allele origin: germline. Affected: yes.

Color Diagnostics, LLC DBA Color Health
Classification: Likely benign for Hereditary cancer-predisposing syndrome. Last evaluated: 2015-04-24. Review status: criteria provided, single submitter. Criteria: ACMG Guidelines, 2015. Collection method: clinical testing. Allele origin: germline.

Ambry Genetics
Classification: Likely benign for Hereditary cancer-predisposing syndrome. Last evaluated: 2015-01-04. Review status: criteria provided, single submitter. Criteria: Ambry Variant Classification Scheme 2023. Collection method: clinical testing. Allele origin: germline.

Counsyl
Classification: Likely benign for Familial cancer of breast. Last evaluated: 2015-12-14. Review status: no assertion criteria provided. Collection method: clinical testing. Allele origin: unknown. Not counted in ClinVar's aggregate classification.

NM_024675.4(PALB2):c.1272C>T (p.Ala424=)

Gene: PALB2 (partner and localizer of BRCA2; minus strand). Cytogenetic location: 16p12.2.
Variant type: single nucleotide variant.
Coding change: c.1272C>T on transcript NM_024675.4 (MANE Select); coding-DNA position 1272, C replaced by T.
Protein change: p.Ala424=; no amino-acid change (alanine 424 retained).
Molecular consequence: synonymous variant.
Genome position (GRCh38, 1-based): chr16:23,635,274, G>A on the plus strand (C>T on the coding strand, the complement: PALB2 is on the minus strand). VCF-style: chr16-23635274-G-A. GRCh37 (hg19) VCF-style: chr16-23646595-G-A.
Identifiers: ClinVar variation 184383 (VCV000184383.34), dbSNP rs754720030, ClinGen allele CA188802.